The following is an entry in ClinVar:

NM_000053.4(ATP7B):c.3061-12T>A

Gene: ATP7B (ATPase copper transporting beta; minus strand). Cytogenetic location: 13q14.3.
Variant type: single nucleotide variant.
Coding change: c.3061-12T>A on transcript NM_000053.4 (MANE Select); 12 bases into the intron before coding-DNA position 3061, T replaced by A.
Molecular consequence: intron variant.
Genome position (GRCh38, 1-based): chr13:51,944,303, A>T on the plus strand (T>A on the coding strand, the complement: ATP7B is on the minus strand). VCF-style: chr13-51944303-A-T. GRCh37 (hg19) VCF-style: chr13-52518439-A-T.
Other names: c.2728-12T>A (NM_001243182.2); c.2440-12T>A (NM_001005918.3); c.2809-12T>A (NM_001330579.2); c.2827-12T>A (NM_001330578.2).
Identifiers: ClinVar variation 557116 (VCV000557116.16), dbSNP rs1045194246, ClinGen allele CA250080343.

ClinVar aggregate classification (germline): Pathogenic. Review status: criteria provided, multiple submitters, no conflicts (2 of 4 stars). 9 submissions from 9 submitters: Pathogenic (8). 1 of the submissions does not count toward it. Last evaluated 2025-09-15.

Conditions:
Wilson disease (WND). Also called: Wilson's disease. Identifiers: Orphanet 905, MedGen C0019202, MONDO:0010200, OMIM 277900. Disease mechanism: loss of function.
ATP7B-related disorder. Also called: ATP7B-related condition.

Allele frequency attached by ClinVar (database versions not stated): TOPMed 0.00001.
gnomAD v4.1: 4 of 1,613,692 alleles (0.00025%); highest among the groups gnomAD compares: Non-Finnish European, 0.000085%; no homozygotes.

Submissions (9):

PreventionGenetics, part of Exact Sciences
Classification: Pathogenic for ATP7B-related condition. Last evaluated: 2025-09-15. Review status: criteria provided, single submitter. Criteria: ACMG Guidelines, 2015. Collection method: clinical testing. Allele origin: germline.
Comment: The ATP7B c.3061-12T>A variant is predicted to interfere with splicing. This variant was reported, along with a second variant as well as in the homozygous state, in multiple patients with clinical and biochemical features consistent with Wilson disease (Loudianos et al. 2002. PubMed ID: 12325021, Silva et al. 2011. PubMed ID: 22687675). RNA analysis showed that this variant lead to an in frame deletion of exon 14 (Loudianos et al. 2002. PubMed ID: 12325021). Other variants affecting this splice site have been reported in patients (c.3061-1G>A; Loudianos et al. 1996. PubMed ID: 8931691). The c.3061-12T>A variant is reported in 0.00090% of alleles in individuals of European (Non-Finnish) descent in gnomAD. This variant is interpreted as pathogenic.

Labcorp Genetics (formerly Invitae), Labcorp
Classification: Pathogenic for Wilson disease. Last evaluated: 2025-06-02. Review status: criteria provided, single submitter. Criteria: Invitae Variant Classification Sherloc (09022015). Collection method: clinical testing. Allele origin: germline.
Comment: This sequence change falls in intron 13 of the ATP7B gene. It does not directly change the encoded amino acid sequence of the ATP7B protein. RNA analysis indicates that this variant induces altered splicing and likely results in a shortened protein product. This variant is present in population databases (no rsID available, gnomAD 0.0009%). This variant has been observed in individual(s) with Wilson disease (PMID: 12325021, 22687675, 23567103). In at least one individual the data is consistent with being in trans (on the opposite chromosome) from a pathogenic variant. ClinVar contains an entry for this variant (Variation ID: 557116). Studies have shown that this variant results in skipping of exon 14, but is expected to preserve the integrity of the reading-frame (PMID: 12325021). For these reasons, this variant has been classified as Pathogenic.

Natera, Inc.
Classification: Pathogenic for Wilson disease. Last evaluated: 2024-10-30. Review status: criteria provided, single submitter. Criteria: Natera Variant Classification Schema (03/2026). Collection method: clinical testing. Allele origin: germline.
Comment: The c.3061-12T>A variant in ATP7B is an intronic variant located outside the canonical splice sites. This variant is rare in the general population with a frequency below the threshold expected for the associated phenotype(s). This variant has been observed in one or more individuals affected with the associated recessive disease, as either homozygous or compound heterozygous with a second variant (PMID: 23567103, 32043565). Functional studies show that this variant may disrupt protein function (PMID: 12325021). Computational prediction algorithms indicate this variant is likely to affect gene or protein function. Given the available evidence, this variant is classified as Pathogenic.

Baylor Genetics
Classification: Pathogenic for Wilson disease. Last evaluated: 2024-01-18. Review status: criteria provided, single submitter. Criteria: ACMG Guidelines, 2015. Collection method: clinical testing. Allele origin: unknown.

All of Us Research Program, National Institutes of Health
Classification: Pathogenic for Wilson disease. Last evaluated: 2023-11-02. Review status: criteria provided, single submitter. Criteria: ACMG Guidelines, 2015. Collection method: clinical testing. Allele origin: germline. Inheritance: Autosomal recessive inheritance. Observed: 1 variant allele, 1 heterozygote.
Comment: This variant causes a T to A nucleotide substitution at the -12 position of intron 13 of the ATP7B gene. A functional RNA study has shown that this variant causes in-frame skipping of exon 14 (PMID: 12325021), resulting in loss of portions of the ATP nucleotide binding domain (a.a. 1032 - 1196) and phosphorylation domains (a.a. 1004 - 1031; a.a. 1197 - 1306) that are important for ATP7B protein function (PMID: 35245129; ClinVar). This variant has been observed in individuals affected with autosomal recessive Wilson disease (PMID: 12325021, 22687675, 23567103, 32043565, 33159804, 34400371, 35169583), including in one individual in the homozygous state (PMID: 22687675) and in multiple individuals in the compound heterozygous state with another pathogenic variant in ATP7B (PMID: 23567103, 32043565, 33159804, 35169583). This variant has been identified in 1/245682 chromosomes in the general population by the Genome Aggregation Database (gnomAD). Loss of ATP7B function is a known mechanism of disease. Based on the available evidence, this variant is classified as Pathogenic.

This study involves interpretation of variants in research participants for the purpose of population health screening. Participant phenotype was not available at the time of variant classification. Additional details can be found in publication PMID: 35346344, PMCID: PMC8962531

Color Diagnostics, LLC DBA Color Health
Classification: Pathogenic for Wilson disease. Last evaluated: 2023-09-21. Review status: criteria provided, single submitter. Criteria: ACMG Guidelines, 2015. Collection method: clinical testing. Allele origin: germline.
Comment: This variant causes a T to A nucleotide substitution at the -12 position of intron 13 of the ATP7B gene. A functional RNA study has shown that this variant causes in-frame skipping of exon 14 (PMID: 12325021), resulting in loss of portions of the ATP nucleotide binding domain (a.a. 1032 - 1196) and phosphorylation domains (a.a. 1004 - 1031a.a. 1197 - 1306) that are important for ATP7B protein function (PMID: 35245129ClinVar). This variant has been observed in individuals affected with autosomal recessive Wilson disease (PMID: 12325021, 22687675, 23567103, 32043565, 33159804, 34400371, 35169583), including in one individual in the homozygous state (PMID: 22687675) and in multiple individuals in the compound heterozygous state with another pathogenic variant in ATP7B (PMID: 23567103, 32043565, 33159804, 35169583). This variant has been identified in 1/245682 chromosomes in the general population by the Genome Aggregation Database (gnomAD). Loss of ATP7B function is a known mechanism of disease. Based on the available evidence, this variant is classified as Pathogenic.

Women's Health and Genetics/Laboratory Corporation of America, LabCorp
Classification: Pathogenic for Wilson disease. Last evaluated: 2021-02-20. Review status: criteria provided, single submitter. Criteria: LabCorp Variant Classification Summary - May 2015. Collection method: clinical testing. Allele origin: germline.
Comment: Variant summary: ATP7B c.3061-12T>A alters a conserved nucleotide located close to a canonical splice site and therefore could affect mRNA splicing, leading to a significantly altered protein sequence. Several computational tools predict a significant impact on normal splicing: Two predict the variant abolishes a canonical 3' acceptor site. Two predict the variant weakens a canonical 3' acceptor site. At least one publication reports experimental evidence that this variant affects mRNA splicing (Loudianos_2002). The variant allele was found at a frequency of 4.1e-06 in 245682 control chromosomes. c.3061-12T>A has been reported in the literature in multiple individuals affected with Wilson Disease (example, Loudianos_2012, Silva_2011, Bost_2012, Dufernez_2013, Sanchez-Monteagudo_2020). These data indicate that the variant is very likely to be associated with disease. Two clinical diagnostic laboratories have submitted clinical-significance assessments for this variant to ClinVar after 2014 without evidence for independent evaluation. All laboratories classified the variant as pathogenic/likely pathogenic. One submitter has cited overlapping evidence utilized in the context of this evaluation. Based on the evidence outlined above, the variant was classified as pathogenic.

Mendelics
Classification: Pathogenic for Wilson disease. Last evaluated: 2019-05-28. Review status: criteria provided, single submitter. Criteria: Mendelics Assertion Criteria 2017. Collection method: clinical testing. Allele origin: unknown.

Counsyl
Classification: Likely pathogenic for Wilson disease. Last evaluated: 2018-03-08. Review status: no assertion criteria provided. Collection method: clinical testing. Allele origin: unknown. Not counted in ClinVar's aggregate classification.

Literature cited by the submitters: PubMed 12325021 (cited by 6 submitters); PubMed 22687675 (cited by 5 submitters); PubMed 23567103 (cited by 6 submitters); PubMed 32043565 (cited by 4 submitters); PubMed 33159804 (cited by All of Us Research Program, National Institutes of Health and Color Diagnostics, LLC DBA Color Health); PubMed 34400371 (cited by All of Us Research Program, National Institutes of Health and Color Diagnostics, LLC DBA Color Health); PubMed 35169583 (cited by All of Us Research Program, National Institutes of Health and Color Diagnostics, LLC DBA Color Health); PubMed 35245129 (cited by All of Us Research Program, National Institutes of Health and Color Diagnostics, LLC DBA Color Health); PubMed 22677543 (cited by Women's Health and Genetics/Laboratory Corporation of America, LabCorp and Counsyl).